The following is an entry in ClinVar:

NM_005560.6(LAMA5):c.6553C>T (p.Leu2185Phe)

Gene: LAMA5 (laminin subunit alpha 5; minus strand). Cytogenetic location: 20q13.33.
Variant type: single nucleotide variant.
Coding change: c.6553C>T on transcript NM_005560.6 (MANE Select); coding-DNA position 6553, C replaced by T.
Protein change: p.Leu2185Phe; replaces leucine 2185 with phenylalanine.
Molecular consequence: missense variant.
Genome position (GRCh38, 1-based): chr20:62,320,834, G>A on the plus strand (C>T on the coding strand, the complement: LAMA5 is on the minus strand). VCF-style: chr20-62320834-G-A. GRCh37 (hg19) VCF-style: chr20-60895890-G-A.
Other names: short protein forms L2185F.
Identifiers: ClinVar variation 730105 (VCV000730105.10), dbSNP rs144791669, ClinGen allele CA9941679.

ClinVar aggregate classification (germline): Likely benign. Review status: criteria provided, single submitter (1 of 4 stars). 2 submissions from 2 submitters: Likely benign (1). 1 of the submissions does not count toward it. Last evaluated 2025-12-15.

Conditions:
LAMA5-related disorder. Also called: LAMA5-related condition; LAMA5-Related Disorders.

Allele frequency attached by ClinVar (database versions not stated): ESP Exome Variant Server 0.00008; gnomAD exomes 0.00010 and 0.00033; gnomAD 0.00014; 1000 Genomes Project 30x 0.00016; 1000 Genomes Project 0.00020; TOPMed 0.00022; ExAC 0.00031.

Submissions (2):

Labcorp Genetics (formerly Invitae), Labcorp
Classification: Likely benign. Last evaluated: 2025-12-15. Review status: criteria provided, single submitter. Criteria: Invitae Variant Classification Sherloc (09022015). Collection method: clinical testing. Allele origin: germline.

PreventionGenetics, part of Exact Sciences
Classification: Likely benign for LAMA5-related condition. Last evaluated: 2021-08-25. Review status: no assertion criteria provided. Collection method: clinical testing. Allele origin: germline. Not counted in ClinVar's aggregate classification.
Comment: This variant is classified as likely benign based on ACMG/AMP sequence variant interpretation guidelines (Richards et al. 2015 PMID: 25741868, with internal and published modifications).